The following is an entry in ClinVar:

ClinVar aggregate classification (germline): Pathogenic. Review status: criteria provided, multiple submitters, no conflicts (2 of 4 stars). 4 submissions from 4 submitters: Pathogenic (4). Last evaluated 2026-11-13.

Conditions:
Marshall-Smith syndrome (MRSHSS). Identifiers: Orphanet 561, MedGen C0265211, MONDO:0011244, OMIM 602535.
Malan overgrowth syndrome (MALNS). Also called: MALAN SYNDROME; Sotos syndrome 2; NFIX-Related Malan Syndrome. Identifiers: Orphanet 420179, MedGen C3553660, MONDO:0013885, OMIM 614753.

Submissions (4):

Randwick Genomics Laboratory, Prince of Wales Hospital Sydney, Australia, New South Wales Health Pathology
Classification: Pathogenic for Malan overgrowth syndrome. Last evaluated: 2026-11-13. Review status: criteria provided, single submitter. Criteria: ACMG Guidelines, 2015. Collection method: clinical testing. Allele origin: germline. Inheritance: Autosomal dominant inheritance. Affected: yes. Observed: 1 variant allele.
Comment: INTERPRETATION NFIX belongs to a family of CCAAT-binding transcription factors that can initiate transcription of genes. Pathogenic NFIX variation is associated with two phenotypically different syndromes: Malan syndrome which is characterised by overgrowth, facial dysmorphism, intellectual disability and behavioural problems, and Marshall-Smith syndrome which is characterised by dysostosis, short stature, postnatal failure to thrive, and moderate-severe developmental delay. The majority of variants described in Malan syndrome are de novo nonsense, frameshift and splice site variants predicting premature stop codons, mostly in the 5_ part of the mRNA or point mutations in NFIX clustered mostly in exon 2 (PMID: 29897170). The heterozygous NFIX:c.303dup variant is a 1 base pair duplication in exon 2 that produces a transcriptional frameshift commencing at codon 102 and results in a premature stop codon 17 amino acids downstream p. (Cys102Leufs*17). This variant has been reported as pathogenic in affected individuals (Clinvar VCV000654601.5, PMID 37336770). It is absent from the population database gnomAD v4. The variant is in exon 2 of 9, therefore variant-containing transcripts are predicted to undergo nonsense mediated mRNA decay. NFIX is under loss of function constraint (pLI = 1). Pathogenicity summary: The NFIX:c.303dup variant is classified as pathogenic as it has the following characteristics: PVS1_very strong: Null variant in a gene where loss of function is a known mechanism of disease. PM2_supporting: Absent from gnomAD v4. PS4_moderate: same variant has been identified in multiple unrelated affected individual Zygosity: 1 Single heterozygote

Kasturba Medical College, Manipal, Kasturba Medical College, Manipal, Manipal Academy of Higher Education, Manipal, India
Classification: Pathogenic for Malan overgrowth syndrome. Last evaluated: 2026-07-24. Review status: criteria provided, single submitter. Criteria: ACMG Guidelines, 2015. Collection method: research. Allele origin: de novo. Inheritance: Autosomal dominant inheritance. Affected: yes. Observed: 1 variant allele, 1 heterozygote.
Comment: The variant c.303dup is absent in the gnomAD (v4.1.0) population database, and in our in-house data of 4349 exomes. This variant has been reported in ClinVar (Accession ID: VCV000654601.8) as pathogenic by two submitters in association with Malan syndrome.

GeneDx
Classification: Pathogenic. Last evaluated: 2025-08-05. Review status: criteria provided, single submitter. Criteria: GeneDx Variant Classification Process June 2021. Collection method: clinical testing. Allele origin: germline.
Comment: Identified in an individual with clinical features consistent with Malan syndrome. Reported as c.303dupC p.(C102Lfs*17) due to alternative nomenclature (PMID: 37336770); Frameshift variant predicted to result in protein truncation or nonsense mediated decay in a gene for which loss of function is a known mechanism of disease; Not observed at significant frequency in large population cohorts (gnomAD); This variant is associated with the following publications: (PMID: 37336770)

Labcorp Genetics (formerly Invitae), Labcorp
Classification: Pathogenic for Malan overgrowth syndrome; Marshall-Smith syndrome. Last evaluated: 2024-10-17. Review status: criteria provided, single submitter. Criteria: Invitae Variant Classification Sherloc (09022015). Collection method: clinical testing. Allele origin: germline.
Comment: This sequence change creates a premature translational stop signal (p.Cys110Leufs*17) in the NFIX gene. It is expected to result in an absent or disrupted protein product. Loss-of-function variants in NFIX are known to be pathogenic (PMID: 20673863, 20949508, 24924640, 25118028). This variant is not present in population databases (gnomAD no frequency). This premature translational stop signal has been observed in individual(s) with Marshall-Smith syndrome (PMID: 37336770). This variant is also known as c.303dupC (pCys102LeufsTer17). ClinVar contains an entry for this variant (Variation ID: 654601). For these reasons, this variant has been classified as Pathogenic.

Literature cited by the submitters: PubMed 37336770 (cited by Kasturba Medical College, Manipal, Kasturba Medical College, Manipal, Manipal Academy of Higher Education, Manipal, India and Labcorp Genetics (formerly Invitae), Labcorp); PubMed 20673863 (cited by Labcorp Genetics (formerly Invitae), Labcorp); PubMed 20949508 (cited by Labcorp Genetics (formerly Invitae), Labcorp); PubMed 24924640 (cited by Labcorp Genetics (formerly Invitae), Labcorp); PubMed 25118028 (cited by Labcorp Genetics (formerly Invitae), Labcorp).

NM_001365902.3(NFIX):c.303dup (p.Cys102fs)

Gene: NFIX (nuclear factor I X; plus strand). Cytogenetic location: 19p13.13.
Variant type: Duplication.
Coding change: c.303dup on transcript NM_001365902.3 (MANE Select); coding-DNA position 303, one base duplicated (C; older notation c.303dupC).
Protein change: p.Cys102fs; shifts the reading frame from cysteine 102.
Molecular consequence: frameshift variant.
Genome position (GRCh38, 1-based): chr19:13,025,296, C duplicated; the last of 6 consecutive C bases (chr19:13,025,291-13,025,296); duplicating any one gives the same sequence. VCF-style (leftmost placement, unchanged base first): chr19-13025290-G-GC. GRCh37 (hg19) VCF-style: chr19-13136104-G-GC.
Other names: c.327dup, p.Cys110fs (NM_001271043.2); c.279dup, p.Cys94fs (NM_001271044.3, NM_001378404.1); c.303dup, p.Cys102fs (NM_001365982.2, NM_002501.4); c.162dup, p.Cys55fs (NM_001365983.2); c.300dup, p.Cys101fs (NM_001365984.2, NM_001365985.2); c.351dup, p.Cys118fs (NM_001378405.1); short protein forms C101fs, C110fs, C102fs, C55fs, C94fs, C118fs.
Identifiers: ClinVar variation 654601 (VCV000654601.11), dbSNP rs886041304, ClinGen allele CA915952540.